The following is an entry in ClinVar:

NM_032043.3(BRIP1):c.3040G>A (p.Gly1014Ser)

Gene: BRIP1 (BRCA1 interacting DNA helicase 1; minus strand). Cytogenetic location: 17q23.2.
Variant type: single nucleotide variant.
Coding change: c.3040G>A on transcript NM_032043.3 (MANE Select); coding-DNA position 3040, G replaced by A.
Protein change: p.Gly1014Ser; replaces glycine 1014 with serine.
Molecular consequence: missense variant.
Genome position (GRCh38, 1-based): chr17:61,684,006, C>T on the plus strand (G>A on the coding strand, the complement: BRIP1 is on the minus strand). VCF-style: chr17-61684006-C-T. GRCh37 (hg19) VCF-style: chr17-59761367-C-T.
Other names: short protein forms G1014S.
Identifiers: ClinVar variation 1799162 (VCV001799162.3), dbSNP rs2144090452, ClinGen allele CA400479933.

ClinVar aggregate classification (germline): Uncertain significance (1 of 4 stars; one submission).

Conditions:
Hereditary cancer-predisposing syndrome. Also called: Neoplastic Syndromes, Hereditary; Tumor predisposition; Hereditary Cancer Syndrome; Hereditary neoplastic syndrome. Identifiers: Orphanet 140162, MedGen C0027672, MeSH D009386, MONDO:0015356.

Submission:

Ambry Genetics
Classification: Uncertain significance for Hereditary cancer-predisposing syndrome. Last evaluated: 2024-09-20. Review status: criteria provided, single submitter. Criteria: Ambry Variant Classification Scheme 2023. Collection method: clinical testing. Allele origin: germline.
Comment: The p.G1014S variant (also known as c.3040G>A), located in coding exon 19 of the BRIP1 gene, results from a G to A substitution at nucleotide position 3040. The glycine at codon 1014 is replaced by serine, an amino acid with similar properties. This amino acid position is conserved. In addition, this alteration is predicted to be tolerated by in silico analysis. Since supporting evidence is limited at this time, the clinical significance of this alteration remains unclear.